The following is an entry in ClinVar:

NM_007294.4(BRCA1):c.-1A>T

Gene: BRCA1 (BRCA1 DNA repair associated; minus strand). Cytogenetic location: 17q21.31.
Variant type: single nucleotide variant.
Coding change: c.-1A>T on transcript NM_007294.4 (MANE Select); 1 bases upstream of the start codon, A replaced by T.
Molecular consequence: 5 prime UTR variant. On other transcripts: intron variant (36).
Genome position (GRCh38, 1-based): chr17:43,124,097, T>A on the plus strand (A>T on the coding strand, the complement: BRCA1 is on the minus strand). VCF-style: chr17-43124097-T-A. GRCh37 (hg19) VCF-style: chr17-41276114-T-A.
Other names: c.-1A>T (NM_001407979.1, NM_001407980.1, NM_001407981.1 and 193 more transcripts); c.-88A>T (NM_001408454.1, NM_001408459.1, NM_001408460.1 and 23 more transcripts); c.-258A>T (NM_001408455.1, NM_001408456.1, NM_001408468.1 and 11 more transcripts); c.-261A>T (NM_001408462.1, NM_001408463.1, NM_001408466.1 and 22 more transcripts); c.-262A>T (NM_001408465.1, NM_001407695.1); c.-189A>T (NM_001408478.1, NM_001408479.1, NM_001408480.1 and 46 more transcripts); c.-334A>T (NM_001408482.1); c.-305A>T (NM_001408492.1, NM_001407889.1); and 23 more.
Identifiers: ClinVar variation 864977 (VCV000864977.3), dbSNP rs587781565, ClinGen allele CA916081134.

Conditions:
Breast-ovarian cancer, familial, susceptibility to, 1 (BROVCA1). Also called: BRCA1 Hereditary Breast and Ovarian Cancer; OVARIAN CANCER, SUSCEPTIBILITY TO. Identifiers: Orphanet 145, MedGen C2676676, MONDO:0011450, OMIM 604370. Disease mechanism: loss of function.

Submission:

Brotman Baty Institute, University of Washington
No classification provided (evidence only). Condition: Breast-ovarian cancer, familial 1. Review status: no classification provided. Collection method: in vitro. Allele origin: not applicable. Functional consequence: functionally_normal.
ClinVar note: "not provided" was previously submitted as the classification for the variant. However, the classification appeared to be based only on an observation of functional data so it was converted to no classification on 2025-07-30.